The following is an entry in ClinVar:

NM_001105206.3(LAMA4):c.4078A>G (p.Ile1360Val)

Gene: LAMA4 (laminin subunit alpha 4; minus strand). Cytogenetic location: 6q21.
Variant type: single nucleotide variant.
Coding change: c.4078A>G on transcript NM_001105206.3 (MANE Select); coding-DNA position 4078, A replaced by G.
Protein change: p.Ile1360Val; replaces isoleucine 1360 with valine.
Molecular consequence: missense variant.
Genome position (GRCh38, 1-based): chr6:112,129,931, T>C on the plus strand (A>G on the coding strand, the complement: LAMA4 is on the minus strand). VCF-style: chr6-112129931-T-C. GRCh37 (hg19) VCF-style: chr6-112451133-T-C.
Other names: c.4057A>G, p.Ile1353Val (NM_001105207.3, NM_002290.5); short protein forms I1353V, I1360V.
Identifiers: ClinVar variation 541222 (VCV000541222.10), dbSNP rs1219695312, ClinGen allele CA365373422.
Genomic context (GRCh38, chr6:112,129,931, plus strand): 5'-TATACCTGGTAAAGTAGGCATTACTTATGCAGCCAGTGAAATTAGCATACTGAGCACTGA[T>C]TGGTGAGCCACCGAAGTAAAACTTCTTTTCACTTGCTTGTGTCTGTTCTATTTTCCCTTT-3'
Protein context (NP_001098676.2, residues 1350-1370): EKKFYFGGSP[Ile1360Val]SAQYANFTGC

ClinVar aggregate classification (germline): Uncertain significance. Review status: criteria provided, multiple submitters, no conflicts (2 of 4 stars). 2 submissions from 2 submitters: Uncertain significance (2). Last evaluated 2025-11-24.

Conditions:
Cardiovascular phenotype. Identifiers: MedGen CN230736.
Dilated cardiomyopathy 1JJ (CMD1JJ). Identifiers: Orphanet 154, MedGen C3808935, MONDO:0014095, OMIM 615235.

Allele frequency attached by ClinVar (database versions not stated): TOPMed below 0.00001; gnomAD 0.00001.
gnomAD v4.1: 3 of 1,612,872 alleles (0.00019%); highest among the groups gnomAD compares: African/African-American, 0.0013%; no homozygotes.

Submissions (2):

Labcorp Genetics (formerly Invitae), Labcorp
Classification: Uncertain significance for Dilated cardiomyopathy 1JJ. Last evaluated: 2025-11-24. Review status: criteria provided, single submitter. Criteria: Invitae Variant Classification Sherloc (09022015). Collection method: clinical testing. Allele origin: germline.
Comment: This sequence change replaces isoleucine, which is neutral and non-polar, with valine, which is neutral and non-polar, at codon 1353 of the LAMA4 protein (p.Ile1353Val). This variant is not present in population databases (gnomAD no frequency). This variant has not been reported in the literature in individuals affected with LAMA4-related conditions. ClinVar contains an entry for this variant (Variation ID: 541222). Invitae Evidence Modeling of protein sequence and biophysical properties (such as structural, functional, and spatial information, amino acid conservation, physicochemical variation, residue mobility, and thermodynamic stability) indicates that this missense variant is not expected to disrupt LAMA4 protein function with a negative predictive value of 80%. In summary, the available evidence is currently insufficient to determine the role of this variant in disease. Therefore, it has been classified as a Variant of Uncertain Significance.

Ambry Genetics
Classification: Uncertain significance for Cardiovascular phenotype. Last evaluated: 2022-01-12. Review status: criteria provided, single submitter. Criteria: Ambry Variant Classification Scheme 2023. Collection method: clinical testing. Allele origin: germline.
Comment: The p.I1353V variant (also known as c.4057A>G), located in coding exon 29 of the LAMA4 gene, results from an A to G substitution at nucleotide position 4057. The isoleucine at codon 1353 is replaced by valine, an amino acid with highly similar properties. This amino acid position is conserved. In addition, this alteration is predicted to be tolerated by in silico analysis. Since supporting evidence is limited at this time, the clinical significance of this alteration remains unclear.